The following is an entry in ClinVar:

NC_000015.9:g.(?_56961021)_(57839688_?)del

Genes: CGNL1 (cingulin like 1; plus strand), TCF12 (transcription factor 12; plus strand), ZNF280D (zinc finger protein 280D; minus strand). Cytogenetic location: 15q21.3.
Variant type: Deletion.
Identifiers: ClinVar variation 2427772 (VCV002427772.3).

ClinVar aggregate classification (germline): Pathogenic (1 of 4 stars; one submission).

Submission:

Labcorp Genetics (formerly Invitae), Labcorp
Classification: Pathogenic. Last evaluated: 2022-06-17. Review status: criteria provided, single submitter. Criteria: Invitae Variant Classification Sherloc (09022015). Collection method: clinical testing. Allele origin: germline.
Comment: A gross deletion of the genomic region encompassing the full coding sequence of the TCF12 gene has been identified. Loss-of-function variants in TCF12 are known to be pathogenic (PMID: 23354436, 32620954). The boundaries of this event are unknown as they extend beyond the assayed region for this gene and therefore may encompass additional genes. Isolated whole-gene deletions of TCF12 have not been reported in the literature. However, larger copy number events that include this gene have been reported (PMID: 31754721). For these reasons, this variant has been classified as Pathogenic.

Literature cited by the submitters: PubMed 23354436; PubMed 32620954; PubMed 31754721.